The following is an entry in ClinVar:

ClinVar aggregate classification (germline): Uncertain significance (1 of 4 stars; one submission).

Submission:

Quest Diagnostics Nichols Institute San Juan Capistrano
Classification: Uncertain significance. Last evaluated: 2024-10-07. Review status: criteria provided, single submitter. Criteria: Quest Diagnostics criteria. Collection method: clinical testing. Allele origin: unknown.
Comment: The TSC2 c.2364G>C (p.Met788Ile) variant has not been reported in individuals with TSC2-related conditions in the published literature. It also has not been reported in large, multi-ethnic general populations (Genome Aggregation Database). Analysis of this variant using bioinformatics tools for the prediction of the effect of amino acid changes on protein structure and function yielded predictions that this variant is benign. Based on the available information, we are unable to determine the clinical significance of this variant.

NM_000548.5(TSC2):c.2364G>C (p.Met788Ile)

Gene: TSC2 (TSC complex subunit 2; plus strand). Cytogenetic location: 16p13.3.
Variant type: single nucleotide variant.
Coding change: c.2364G>C on transcript NM_000548.5 (MANE Select); coding-DNA position 2364, G replaced by C.
Protein change: p.Met788Ile; replaces methionine 788 with isoleucine.
Molecular consequence: missense variant. On other transcripts: non-coding transcript variant (5).
Genome position (GRCh38, 1-based): chr16:2,074,208, G>C. VCF-style: chr16-2074208-G-C. GRCh37 (hg19) VCF-style: chr16-2124209-G-C.
Other names: c.2217G>C, p.Met739Ile (NM_001318829.2, NM_001406675.1, NM_001406676.1 and 1 more transcripts); c.1764G>C, p.Met588Ile (NM_001318831.2, NM_001406680.1, NM_001406682.1 and 6 more transcripts); c.2397G>C, p.Met799Ile (NM_001318832.2); c.2364G>C, p.Met788Ile (NM_001363528.2, NM_001370404.1, NM_001370405.1 and 6 more transcripts); c.2454G>C, p.Met818Ile (NM_001406667.1, NM_001406668.1); c.2253G>C, p.Met751Ile (NM_001406670.1, NM_001406678.1, NM_001318827.2); c.2352G>C, p.Met784Ile (NM_001406671.1, NM_001406673.1); c.2307G>C, p.Met769Ile (NM_001406677.1); and 3 more; short protein forms M254I, M340I, M818I, M588I, M799I, M634I, M739I, M769I.
Identifiers: ClinVar variation 3572145 (VCV003572145.1).